The following is an entry in ClinVar:

NM_015046.7(SETX):c.3026C>T (p.Ser1009Phe)

Gene: SETX (senataxin; minus strand). Cytogenetic location: 9q34.13.
Variant type: single nucleotide variant.
Coding change: c.3026C>T on transcript NM_015046.7 (MANE Select); coding-DNA position 3026, C replaced by T.
Protein change: p.Ser1009Phe; replaces serine 1009 with phenylalanine.
Molecular consequence: missense variant.
Genome position (GRCh38, 1-based): chr9:132,328,572, G>A on the plus strand (C>T on the coding strand, the complement: SETX is on the minus strand). VCF-style: chr9-132328572-G-A. GRCh37 (hg19) VCF-style: chr9-135203959-G-A.
Other names: p.Ser1009Phe; c.3026C>T, p.Ser1009Phe (NM_001351527.2, NM_001351528.2); short protein forms S1009F.
Identifiers: ClinVar variation 2037089 (VCV002037089.6), dbSNP rs754285464, ClinGen allele CA5297496.

ClinVar aggregate classification (germline): Conflicting classifications of pathogenicity. Review status: criteria provided, conflicting classifications (1 of 4 stars). 3 submissions from 3 submitters: Uncertain significance (2); Benign (1). Last evaluated 2026-04-02.

Conditions:
Spinocerebellar ataxia, autosomal recessive, with axonal neuropathy 2 (SCAN2). Also called: ATAXIA-OCULOMOTOR APRAXIA 2; Ataxia-ocular apraxia-2; Ataxia with Oculomotor Apraxia; Ataxia with Oculomotor Apraxia Type 2. Identifiers: Orphanet 64753, MedGen C1853761, MONDO:0018996, OMIM 606002.
Amyotrophic lateral sclerosis type 4 (ALS4). Also called: AMYOTROPHIC LATERAL SCLEROSIS 4, JUVENILE; NEURONOPATHY, DISTAL HEREDITARY MOTOR, WITH PYRAMIDAL FEATURES. Identifiers: Orphanet 357043, MedGen C1865409, MONDO:0011223, OMIM 602433.

Allele frequency attached by ClinVar (database versions not stated): gnomAD exomes 0.00001; ExAC 0.00001.
gnomAD v4.1: 5 of 1,613,956 alleles (0.00031%); highest among the groups gnomAD compares: Admixed American, 0.005%; no homozygotes.

Submissions (3):

GeneDx
Classification: Uncertain significance. Last evaluated: 2026-04-02. Review status: criteria provided, single submitter. Criteria: GeneDx Variant Classification Process June 2021. Collection method: clinical testing. Allele origin: germline.
Comment: Not observed at significant frequency in large population cohorts (gnomAD); In silico analysis suggests that this missense variant does not alter protein structure/function; Has not been previously published as pathogenic or benign to our knowledge

Mayo Clinic Laboratories, Mayo Clinic
Classification: Uncertain significance. Last evaluated: 2024-06-05. Review status: criteria provided, single submitter. Criteria: ACMG Guidelines, 2015. Collection method: clinical testing. Allele origin: germline. Observed: 1 variant allele.

Labcorp Genetics (formerly Invitae), Labcorp
Classification: Benign for Amyotrophic lateral sclerosis type 4; Spinocerebellar ataxia, autosomal recessive, with axonal neuropathy 2. Last evaluated: 2022-08-10. Review status: criteria provided, single submitter. Criteria: Invitae Variant Classification Sherloc (09022015). Collection method: clinical testing. Allele origin: germline.